The following is an entry in ClinVar:

ClinVar aggregate classification (germline): Likely benign. Review status: criteria provided, multiple submitters, no conflicts (2 of 4 stars). 2 submissions from 2 submitters: Likely benign (2). Last evaluated 2026-08-01.

gnomAD v4.1: 76 of 1,613,978 alleles (0.0047%); highest among the groups gnomAD compares: Non-Finnish European, 0.0063%; no homozygotes.

Submissions (2):

CeGaT Center for Human Genetics Tuebingen
Classification: Likely benign. Last evaluated: 2026-08-01. Review status: criteria provided, single submitter. Criteria: CeGaT Center For Human Genetics Tuebingen Variant Classification Criteria Version 2. Collection method: clinical testing. Allele origin: germline. Affected: yes. Observed: 1 variant allele.
Comment: DARS2: BP4, BP7

Laboratory of Genetics, Children's Clinical University Hospital Latvia
Classification: Likely benign. Last evaluated: 2025-02-16. Review status: criteria provided, single submitter. Criteria: ACMG Guidelines, 2015. Collection method: clinical testing. Allele origin: germline. Affected: yes.

NM_018122.5(DARS2):c.1419C>G (p.Pro473=)

Gene: DARS2 (aspartyl-tRNA synthetase 2, mitochondrial; plus strand). Cytogenetic location: 1q25.1.
Variant type: single nucleotide variant.
Coding change: c.1419C>G on transcript NM_018122.5 (MANE Select); coding-DNA position 1419, C replaced by G.
Protein change: p.Pro473=; no amino-acid change (proline 473 retained).
Molecular consequence: synonymous variant.
Genome position (GRCh38, 1-based): chr1:173,853,423, C>G. VCF-style: chr1-173853423-C-G. GRCh37 (hg19) VCF-style: chr1-173822561-C-G.
Other names: c.1266C>G, p.Pro422= (NM_001365212.1).
Identifiers: ClinVar variation 3910133 (VCV003910133.2).